The following is an entry in ClinVar:

NM_024675.4(PALB2):c.3010C>T (p.Gln1004Ter)

Gene: PALB2 (partner and localizer of BRCA2; minus strand). Cytogenetic location: 16p12.2.
Variant type: single nucleotide variant.
Coding change: c.3010C>T on transcript NM_024675.4 (MANE Select); coding-DNA position 3010, C replaced by T.
Protein change: p.Gln1004Ter; replaces glutamine 1004 with a stop codon.
Molecular consequence: nonsense. On other transcripts: intron variant (1).
Genome position (GRCh38, 1-based): chr16:23,621,465, G>A on the plus strand (C>T on the coding strand, the complement: PALB2 is on the minus strand). VCF-style: chr16-23621465-G-A. GRCh37 (hg19) VCF-style: chr16-23632786-G-A.
Other names: c.2950C>T, p.Gln984Ter (NM_001407296.1); c.2938C>T, p.Gln980Ter (NM_001407297.1); c.2848C>T, p.Gln950Ter (NM_001407298.1, NM_001407302.1); c.3010C>T, p.Gln1004Ter (NM_001407299.1, NM_001407301.1); c.2125C>T, p.Gln709Ter (NM_001407304.1, NM_001407305.1, NM_001407306.1 and 4 more transcripts); c.1963C>T, p.Gln655Ter (NM_001407307.1); c.1222C>T, p.Gln408Ter (NM_001407312.1, NM_001407313.1); c.544C>T, p.Gln182Ter (NM_001407314.1); and 1 more; short protein forms Q1004*, Q182*, Q408*, Q655*, Q709*, Q950*, Q980*, Q984*.
Identifiers: ClinVar variation 2673849 (VCV002673849.8), dbSNP rs2142328321, ClinGen allele CA395143174.

ClinVar aggregate classification (germline): Pathogenic/Likely pathogenic. Review status: criteria provided, multiple submitters, no conflicts (2 of 4 stars). 5 submissions from 5 submitters: Pathogenic (4); Likely pathogenic (1). Last evaluated 2026-03-05.

Conditions:
Hereditary cancer-predisposing syndrome. Also called: Neoplastic Syndromes, Hereditary; Tumor predisposition; Hereditary Cancer Syndrome; Hereditary neoplastic syndrome. Identifiers: Orphanet 140162, MedGen C0027672, MeSH D009386, MONDO:0015356.
Pancreatic cancer, susceptibility to, 3. Identifiers: Orphanet 1333, MedGen C3150547, MONDO:0013236, OMIM 613348.
Fanconi anemia complementation group N. Also called: PALB2-Related Fanconi Anemia. Identifiers: Orphanet 84, MedGen C1835817, MONDO:0012565, OMIM 610832. Disease mechanism: loss of function.
Breast-ovarian cancer, familial, susceptibility to, 5 (BROVCA5). Identifiers: MedGen C5830615, MONDO:0957530, OMIM 620442.
Familial cancer of breast. Also called: hereditary breast carcinoma; BREAST CANCER, FAMILIAL; Hereditary breast cancer. Identifiers: Orphanet 227535, MedGen C0346153, MONDO:0016419, OMIM 114480. Disease mechanism: loss of function.

Submissions (5):

Ambry Genetics
Classification: Pathogenic for Hereditary cancer-predisposing syndrome. Last evaluated: 2026-03-05. Review status: criteria provided, single submitter. Criteria: Ambry Variant Classification Scheme 2023. Collection method: clinical testing. Allele origin: germline.
Comment: The p.Q1004* pathogenic mutation (also known as c.3010C>T), located in coding exon 10 of the PALB2 gene, results from a C to T substitution at nucleotide position 3010. This changes the amino acid from a glutamine to a stop codon within coding exon 10. This alteration is expected to result in loss of function by premature protein truncation or nonsense-mediated mRNA decay. This variant is considered to be rare based on population cohorts in the Genome Aggregation Database (gnomAD). As such, this alteration is interpreted as a disease-causing mutation.

Myriad Genetics, Inc.
Classification: Pathogenic for Familial cancer of breast. Last evaluated: 2023-09-14. Review status: criteria provided, single submitter. Criteria: Myriad Autosomal Dominant, Autosomal Recessive and X-Linked Classification Criteria (2023). Collection method: clinical testing. Allele origin: unknown.
Comment: This variant is considered pathogenic. This variant creates a termination codon and is predicted to result in premature protein truncation.

Labcorp Genetics (formerly Invitae), Labcorp
Classification: Pathogenic for Familial cancer of breast. Last evaluated: 2023-09-08. Review status: criteria provided, single submitter. Criteria: Invitae Variant Classification Sherloc (09022015). Collection method: clinical testing. Allele origin: germline.
Comment: This sequence change creates a premature translational stop signal (p.Gln1004*) in the PALB2 gene. It is expected to result in an absent or disrupted protein product. Loss-of-function variants in PALB2 are known to be pathogenic (PMID: 17200668, 17200671, 17200672, 24136930, 25099575). This variant is not present in population databases (gnomAD no frequency). This variant has not been reported in the literature in individuals affected with PALB2-related conditions. For these reasons, this variant has been classified as Pathogenic.

Color Diagnostics, LLC DBA Color Health
Classification: Pathogenic for Hereditary cancer-predisposing syndrome. Last evaluated: 2021-07-07. Review status: criteria provided, single submitter. Criteria: ACMG Guidelines, 2015. Collection method: clinical testing. Allele origin: germline.
Comment: This variant changes 1 nucleotide in exon 10 of the PALB2 gene, creating a premature translation stop signal. This variant is expected to result in an absent or non-functional protein product. To our knowledge, this variant has not been reported in individuals affected with hereditary cancer in the literature. This variant has not been identified in the general population by the Genome Aggregation Database (gnomAD). Loss of PALB2 function is a known mechanism of disease. Based on the available evidence, this variant is classified as Pathogenic.

Juno Genomics, Hangzhou Juno Genomics, Inc
Classification: Likely pathogenic for Breast-ovarian cancer, familial, susceptibility to, 5; Pancreatic cancer, susceptibility to, 3; Fanconi anemia complementation group N. Review status: criteria provided, single submitter. Criteria: ACMG Guidelines, 2015. Collection method: clinical testing. Allele origin: germline.
Comment: Null variant in a gene where loss of function (LOF) is a known mechanism of disease.;Absent from controls (or at extremely low frequency if recessive) in Genome Aggregation Database.

Literature cited by the submitters: PubMed 17200668 (cited by Labcorp Genetics (formerly Invitae), Labcorp); PubMed 17200671 (cited by Labcorp Genetics (formerly Invitae), Labcorp); PubMed 17200672 (cited by Labcorp Genetics (formerly Invitae), Labcorp); PubMed 24136930 (cited by Labcorp Genetics (formerly Invitae), Labcorp); PubMed 25099575 (cited by Labcorp Genetics (formerly Invitae), Labcorp).